The following is an entry in ClinVar:

ClinVar aggregate classification (germline): Uncertain significance. Review status: criteria provided, single submitter (1 of 4 stars). 2 submissions from 2 submitters: Uncertain significance (1). 1 of the submissions does not count toward it. Last evaluated 2022-01-05.

Conditions:
Cardiac arrhythmia. Also called: Arrhythmia; Cardiac rhythm disease. Identifiers: MedGen C0003811, MONDO:0007263, HP:0011675.
Familial long QT syndrome (RWS). Also called: Congenital long QT syndrome; Romano-Ward syndrome; VENTRICULAR FIBRILLATION WITH PROLONGED QT INTERVAL. Identifiers: Orphanet 768, MedGen C1141890, MONDO:0019171.

Allele frequency attached by ClinVar (database versions not stated): TOPMed 0.00001; gnomAD exomes below 0.00001.
gnomAD v4.1: 3 of 1,614,244 alleles (0.00019%); highest among the groups gnomAD compares: Non-Finnish European, 0.00025%; no homozygotes.

Submissions (2):

Color Diagnostics, LLC DBA Color Health
Classification: Uncertain significance for Cardiac arrhythmia. Last evaluated: 2022-01-05. Review status: criteria provided, single submitter. Criteria: ACMG Guidelines, 2015. Collection method: clinical testing. Allele origin: germline.
Comment: This missense variant replaces histidine with tyrosine at codon 687 of the KCNH2 protein. Computational prediction suggests that this variant may have deleterious impact on protein structure and function (internally defined REVEL score threshold >= 0.7, PMID: 27666373). In vitro functional studies have shown that this variant has no impact on the expression levels of KCNH2 protein (PMID: 25417810, 26958806). This variant has been reported in two unrelated individuals affected with long QT syndrome (PMID: 19716085, 32893267). This variant has not been identified in the general population by the Genome Aggregation Database (gnomAD). The available evidence is insufficient to determine the role of this variant in disease conclusively. Therefore, this variant is classified as a Variant of Uncertain Significance.

Cardiovascular Biomedical Research Unit, Royal Brompton & Harefield NHS Foundation Trust
No classification provided. Condition: Familial long QT syndrome. Review status: no classification provided. Collection method: literature only. Allele origin: germline. Not counted in ClinVar's aggregate classification.
Comment: This variant has been reported as associated with Long QT syndrome in the following publications (PMID:19716085). This is a literature report, and does not necessarily reflect the clinical interpretation of the Imperial College / Royal Brompton Cardiovascular Genetics laboratory.

Literature cited by the submitters: PubMed 19716085 (cited by Color Diagnostics, LLC DBA Color Health and Cardiovascular Biomedical Research Unit, Royal Brompton & Harefield NHS Foundation Trust); PubMed 25417810 (cited by Color Diagnostics, LLC DBA Color Health); PubMed 26958806 (cited by Color Diagnostics, LLC DBA Color Health); PubMed 32893267 (cited by Color Diagnostics, LLC DBA Color Health); PubMed 22581653 (cited by Cardiovascular Biomedical Research Unit, Royal Brompton & Harefield NHS Foundation Trust).

NM_000238.4(KCNH2):c.2059C>T (p.His687Tyr)

Gene: KCNH2 (potassium voltage-gated channel subfamily H member 2; minus strand). Cytogenetic location: 7q36.1.
Variant type: single nucleotide variant.
Coding change: c.2059C>T on transcript NM_000238.4 (MANE Select); coding-DNA position 2059, C replaced by T.
Protein change: p.His687Tyr; replaces histidine 687 with tyrosine.
Molecular consequence: missense variant.
Genome position (GRCh38, 1-based): chr7:150,951,007, G>A on the plus strand (C>T on the coding strand, the complement: KCNH2 is on the minus strand). VCF-style: chr7-150951007-G-A. GRCh37 (hg19) VCF-style: chr7-150648095-G-A.
Other names: c.2059C>T (LRG_288t1); c.1039C>T, p.His347Tyr (NM_001204798.2, NM_172057.3); c.1771C>T, p.His591Tyr (NM_001406753.1, NM_001406756.1); c.1882C>T, p.His628Tyr (NM_001406755.1); c.1759C>T, p.His587Tyr (NM_001406757.1); c.2059C>T, p.His687Tyr (NM_172056.3); short protein forms H347Y, H687Y, H591Y, H587Y, H628Y.
Identifiers: ClinVar variation 67357 (VCV000067357.5), dbSNP rs199472982, ClinGen allele CA006181.